The following is an entry in ClinVar:

ClinVar aggregate classification (germline): Uncertain significance (1 of 4 stars; one submission).

gnomAD v4.1: 1 of 1,614,162 alleles (0.000062%); no homozygotes.

Submission:

Labcorp Genetics (formerly Invitae), Labcorp
Classification: Uncertain significance. Last evaluated: 2022-10-07. Review status: criteria provided, single submitter. Criteria: Invitae Variant Classification Sherloc (09022015). Collection method: clinical testing. Allele origin: germline.
Comment: This sequence change replaces glutamic acid, which is acidic and polar, with glycine, which is neutral and non-polar, at codon 232 of the EMC1 protein (p.Glu232Gly). This variant is not present in population databases (gnomAD no frequency). This variant has not been reported in the literature in individuals affected with EMC1-related conditions. Advanced modeling of protein sequence and biophysical properties (such as structural, functional, and spatial information, amino acid conservation, physicochemical variation, residue mobility, and thermodynamic stability) performed at Invitae indicates that this missense variant is not expected to disrupt EMC1 protein function. In summary, the available evidence is currently insufficient to determine the role of this variant in disease. Therefore, it has been classified as a Variant of Uncertain Significance.

NM_015047.3(EMC1):c.695A>G (p.Glu232Gly)

Genes: EMC1 (ER membrane protein complex subunit 1; minus strand), EMC1-AS1 (EMC1 antisense RNA 1; plus strand). Cytogenetic location: 1p36.13.
Variant type: single nucleotide variant.
Coding change: c.695A>G on transcript NM_015047.3 (MANE Select); coding-DNA position 695, A replaced by G.
Protein change: p.Glu232Gly; replaces glutamic acid 232 with glycine.
Molecular consequence: missense variant. On other transcripts: non-coding transcript variant (1).
Genome position (GRCh38, 1-based): chr1:19,240,388, T>C on the plus strand (A>G on the coding strand, the complement: EMC1 is on the minus strand). VCF-style: chr1-19240388-T-C. GRCh37 (hg19) VCF-style: chr1-19566882-T-C.
Other names: c.695A>G, p.Glu232Gly (NM_001271427.2, NM_001271428.2, NM_001375820.1 and 1 more transcripts); c.629A>G, p.Glu210Gly (NM_001271429.2); short protein forms E210G, E232G.
Identifiers: ClinVar variation 2012463 (VCV002012463.4), dbSNP rs2536784900, ClinGen allele CA338769088.